The following is an entry in ClinVar:

ClinVar aggregate classification (germline): Uncertain significance. Review status: criteria provided, multiple submitters, no conflicts (2 of 4 stars). 2 submissions from 2 submitters: Uncertain significance (2). Last evaluated 2025-12-19.

Conditions:
Inborn genetic diseases. Identifiers: MedGen C0950123, MeSH D030342.

gnomAD v4.1: 1 of 1,610,990 alleles (0.000062%); highest among the groups gnomAD compares: Non-Finnish European, 0.000085%; no homozygotes.

Submissions (2):

Labcorp Genetics (formerly Invitae), Labcorp
Classification: Uncertain significance. Last evaluated: 2025-12-19. Review status: criteria provided, single submitter. Criteria: Invitae Variant Classification Sherloc (09022015). Collection method: clinical testing. Allele origin: germline.
Comment: This sequence change replaces glutamine, which is neutral and polar, with arginine, which is basic and polar, at codon 553 of the ERCC6L2 protein (p.Gln553Arg). This variant is not present in population databases (gnomAD no frequency). This variant has not been reported in the literature in individuals affected with ERCC6L2-related conditions. ClinVar contains an entry for this variant (Variation ID: 3845833). Experimental studies and prediction algorithms are not available or were not evaluated, and the functional significance of this variant is currently unknown. In summary, the available evidence is currently insufficient to determine the role of this variant in disease. Therefore, it has been classified as a Variant of Uncertain Significance.

Ambry Genetics
Classification: Uncertain significance for Inborn genetic diseases. Last evaluated: 2024-12-26. Review status: criteria provided, single submitter. Criteria: Ambry Variant Classification Scheme 2023. Collection method: clinical testing. Allele origin: germline.
Comment: The p.Q542R variant (also known as c.1625A>G), located in coding exon 11 of the ERCC6L2 gene, results from an A to G substitution at nucleotide position 1625. The glutamine at codon 542 is replaced by arginine, an amino acid with highly similar properties. This amino acid position is conserved. In addition, this alteration is predicted to be tolerated by in silico analysis. Based on the available evidence, the clinical significance of this variant remains unclear.

NM_020207.7(ERCC6L2):c.1625A>G (p.Gln542Arg)

Gene: ERCC6L2 (ERCC excision repair 6 like 2; plus strand). Cytogenetic location: 9q22.32.
Variant type: single nucleotide variant.
Coding change: c.1625A>G on transcript NM_020207.7 (MANE Select); coding-DNA position 1625, A replaced by G.
Protein change: p.Gln542Arg; replaces glutamine 542 with arginine.
Molecular consequence: missense variant. On other transcripts: non-coding transcript variant (1).
Genome position (GRCh38, 1-based): chr9:95,928,738, A>G. VCF-style: chr9-95928738-A-G. GRCh37 (hg19) VCF-style: chr9-98691020-A-G.
Other names: c.1625A>G, p.Gln542Arg (NM_001010895.4, NM_001375291.1, NM_001375292.1 and 2 more transcripts); short protein forms Q542R.
Identifiers: ClinVar variation 3845833 (VCV003845833.2).